The following is an entry in ClinVar:

ClinVar aggregate classification (germline): Uncertain significance. Review status: criteria provided, multiple submitters, no conflicts (2 of 4 stars). 3 submissions from 3 submitters: Uncertain significance (3). Last evaluated 2025-11-17.

Conditions:
Inborn genetic diseases. Identifiers: MedGen C0950123, MeSH D030342.

Allele frequency attached by ClinVar (database versions not stated): TOPMed 0.00008; gnomAD 0.00009; gnomAD exomes 0.00010 and 0.00013; ExAC 0.00011.
gnomAD v4.1: 168 of 1,613,506 alleles (0.01%); highest among the groups gnomAD compares: Middle Eastern, 0.05%; no homozygotes.

Submissions (3):

Labcorp Genetics (formerly Invitae), Labcorp
Classification: Uncertain significance. Last evaluated: 2025-11-17. Review status: criteria provided, single submitter. Criteria: Invitae Variant Classification Sherloc (09022015). Collection method: clinical testing. Allele origin: germline.
Comment: This sequence change replaces glycine, which is neutral and non-polar, with serine, which is neutral and polar, at codon 301 of the ATF6 protein (p.Gly301Ser). This variant is present in population databases (rs200990345, gnomAD 0.03%). This variant has not been reported in the literature in individuals affected with ATF6-related conditions. ClinVar contains an entry for this variant (Variation ID: 1009051). Invitae Evidence Modeling of protein sequence and biophysical properties (such as structural, functional, and spatial information, amino acid conservation, physicochemical variation, residue mobility, and thermodynamic stability) indicates that this missense variant is not expected to disrupt ATF6 protein function with a negative predictive value of 80%. In summary, the available evidence is currently insufficient to determine the role of this variant in disease. Therefore, it has been classified as a Variant of Uncertain Significance.

Blueprint Genetics
Classification: Uncertain significance. Last evaluated: 2024-09-09. Review status: criteria provided, single submitter. Criteria: ACMG Guidelines, 2015. Collection method: clinical testing. Allele origin: germline.

Ambry Genetics
Classification: Uncertain significance for Inborn genetic diseases. Last evaluated: 2023-01-10. Review status: criteria provided, single submitter. Criteria: Ambry Variant Classification Scheme 2023. Collection method: clinical testing. Allele origin: germline.

NM_007348.4(ATF6):c.901G>A (p.Gly301Ser)

Gene: ATF6 (activating transcription factor 6; plus strand). Cytogenetic location: 1q23.3.
Variant type: single nucleotide variant.
Coding change: c.901G>A on transcript NM_007348.4 (MANE Select); coding-DNA position 901, G replaced by A.
Protein change: p.Gly301Ser; replaces glycine 301 with serine.
Molecular consequence: missense variant.
Genome position (GRCh38, 1-based): chr1:161,802,264, G>A. VCF-style: chr1-161802264-G-A. GRCh37 (hg19) VCF-style: chr1-161772054-G-A.
Other names: c.901G>A (NM_007348.3); short protein forms G301S.
Identifiers: ClinVar variation 1009051 (VCV001009051.6), dbSNP rs200990345, ClinGen allele CA1214309.